The following is an entry in ClinVar:

NM_000214.3(JAG1):c.1499dup (p.His501fs)

Gene: JAG1 (jagged canonical Notch ligand 1; minus strand). Cytogenetic location: 20p12.2.
Variant type: Duplication.
Coding change: c.1499dup on transcript NM_000214.3 (MANE Select); coding-DNA position 1499, one base duplicated (G; older notation c.1499dupG).
Protein change: p.His501fs; shifts the reading frame from histidine 501.
Molecular consequence: frameshift variant.
Genome position (GRCh38, 1-based): chr20:10,648,619, C duplicated on the plus strand (G on the coding strand, the reverse complement: JAG1 is on the minus strand); the first of 5 consecutive C bases (chr20:10,648,619-10,648,623); duplicating any one gives the same sequence. VCF-style (leftmost placement, unchanged base first): chr20-10648618-A-AC. GRCh37 (hg19) VCF-style: chr20-10629266-A-AC.
Other names: p.His501Serfs*5; short protein forms H501fs.
Identifiers: ClinVar variation 2683633 (VCV002683633.1), dbSNP rs2514517188, ClinGen allele CA2697547317.

ClinVar aggregate classification (germline): Likely pathogenic (1 of 4 stars; one submission).

Submission:

Mayo Clinic Laboratories, Mayo Clinic
Classification: Likely pathogenic. Last evaluated: 2022-12-29. Review status: criteria provided, single submitter. Criteria: ACMG Guidelines, 2015. Collection method: clinical testing. Allele origin: germline. Observed: 1 variant allele.
Comment: PM2, PVS1